The following is an entry in ClinVar:

ClinVar aggregate classification (germline): Conflicting classifications of pathogenicity. Review status: criteria provided, conflicting classifications (1 of 4 stars). 4 submissions from 4 submitters: Likely pathogenic (1); Uncertain significance (3). Last evaluated 2025-08-18.

Conditions:
Hereditary cancer-predisposing syndrome. Also called: Tumor predisposition; Hereditary Cancer Syndrome; Hereditary neoplastic syndrome; Neoplastic Syndromes, Hereditary. Identifiers: Orphanet 140162, MedGen C0027672, MeSH D009386, MONDO:0015356.
Von Hippel-Lindau syndrome (VHLS). Also called: VHL syndrome; Von Hippel-Lindau; von Hippel–Lindau syndrome. Identifiers: Orphanet 892, MedGen C0019562, MONDO:0008667, OMIM 193300. Disease mechanism: loss of function.
Chuvash polycythemia. Also called: POLYCYTHEMIA, VHL-DEPENDENT. Identifiers: Orphanet 238557, MedGen C1837915, MONDO:0009892, OMIM 263400.

Allele frequency attached by ClinVar (database versions not stated): TOPMed 0.00001; ESP Exome Variant Server 0.00008.

Submissions (4):

Labcorp Genetics (formerly Invitae), Labcorp
Classification: Likely pathogenic for Von Hippel-Lindau syndrome; Chuvash polycythemia. Last evaluated: 2025-08-18. Review status: criteria provided, single submitter. Criteria: Invitae Variant Classification Sherloc (09022015). Collection method: clinical testing. Allele origin: germline.
Comment: This sequence change replaces histidine, which is basic and polar, with proline, which is neutral and non-polar, at codon 191 of the VHL protein (p.His191Pro). This variant is present in population databases (rs370050374, gnomAD 0.0009%). This variant has not been reported in the literature in individuals affected with VHL-related conditions. ClinVar contains an entry for this variant (Variation ID: 182984). Invitae Evidence Modeling of protein sequence and biophysical properties (such as structural, functional, and spatial information, amino acid conservation, physicochemical variation, residue mobility, and thermodynamic stability) indicates that this missense variant is expected to disrupt VHL protein function with a positive predictive value of 95%. This variant disrupts the p.His191 amino acid residue in VHL. Other variant(s) that disrupt this residue have been determined to be pathogenic (PMID: 12844285, 23403324). This suggests that this residue is clinically significant, and that variants that disrupt this residue are likely to be disease-causing. In summary, the currently available evidence indicates that the variant is pathogenic, but additional data are needed to prove that conclusively. Therefore, this variant has been classified as Likely Pathogenic.

Ambry Genetics
Classification: Uncertain significance for Hereditary cancer-predisposing syndrome. Last evaluated: 2025-01-02. Review status: criteria provided, single submitter. Criteria: Ambry Variant Classification Scheme 2023. Collection method: clinical testing. Allele origin: germline.
Comment: The p.H191P variant (also known as c.572A>C), located in coding exon 3 of the VHL gene, results from an A to C substitution at nucleotide position 572. The histidine at codon 191 is replaced by proline, an amino acid with similar properties. This variant was determined to be functionally neutral in one saturation genome editing assay (Buckley M et al. Nat Genet, 2024 Jul;56:1446-1455). This amino acid position is well conserved in available vertebrate species. In addition, this alteration is predicted to be deleterious by in silico analysis. Based on the available evidence, the clinical significance of this variant remains unclear.

Baylor Genetics
Classification: Uncertain significance for Chuvash polycythemia. Last evaluated: 2023-10-05. Review status: criteria provided, single submitter. Criteria: ACMG Guidelines, 2015. Collection method: clinical testing. Allele origin: unknown.

GeneDx
Classification: Uncertain significance. Last evaluated: 2014-07-30. Review status: criteria provided, single submitter. Criteria: GeneDx Variant Classification (06012015). Collection method: clinical testing. Allele origin: germline. Affected: yes.
Comment: This variant is denoted VHL c.572A>C at the cDNA level, p.His191Pro (H191P) at the protein level, and results in the change of a Histidine to a Proline (CAC>CCC). This variant has not, to our knowledge, been published in the literature as pathogenic or benign. VHL His191Pro was not observed at a significant allele frequency in the NHLBI Exome Sequencing Project. Since Histidine and Proline differ in polarity, charge, size or other properties, this is considered a non-conservative amino acid substitution. VHL His191Pro occurs at a position that is well conserved in mammals and is located in the alpha domain (Yuen 2009). In silico analyses are inconsistent regarding the effect this variant may have on protein structure and function. Based on currently available information, it is unclear whether VHL His191Pro is pathogenic or benign. We consider it to be a variant of uncertain significance.

Literature cited by the submitters: PubMed 12844285 (cited by Labcorp Genetics (formerly Invitae), Labcorp); PubMed 23403324 (cited by Labcorp Genetics (formerly Invitae), Labcorp); PubMed 38969834 (cited by Ambry Genetics).

NM_000551.4(VHL):c.572A>C (p.His191Pro)

Genes: VHL (von Hippel-Lindau tumor suppressor; plus strand), LOC107303340 (3p25 von Hippel-Lindau tumor suppressor, E3 ubiquitin protein ligase Alu-mediated recombination region; plus strand). Cytogenetic location: 3p25.3.
Variant type: single nucleotide variant.
Coding change: c.572A>C on transcript NM_000551.4 (MANE Select); coding-DNA position 572, A replaced by C.
Protein change: p.His191Pro; replaces histidine 191 with proline.
Molecular consequence: missense variant. On other transcripts: 3 prime UTR variant (1).
Genome position (GRCh38, 1-based): chr3:10,149,895, A>C. VCF-style: chr3-10149895-A-C. GRCh37 (hg19) VCF-style: chr3-10191579-A-C.
Other names: p.H191P:CAC>CCC; c.*126A>C (NM_001354723.2); c.449A>C, p.His150Pro (NM_198156.3); short protein forms H191P, H150P.
Identifiers: ClinVar variation 182984 (VCV000182984.17), dbSNP rs370050374, ClinGen allele CA020500.
Genomic context (GRCh38, chr3:10,149,895, plus strand): 5'-AGCCTGAGAATTACAGGAGACTGGACATCGTCAGGTCGCTCTACGAAGATCTGGAAGACC[A>C]CCCAAATGTGCAGAAAGACCTGGAGCGGCTGACACAGGAGCGCATTGCACATCAACGGAT-3'
Protein context (NP_000542.1, residues 181-201): VRSLYEDLED[His191Pro]PNVQKDLERL